The following is an entry in ClinVar:

NM_144691.4(CAPN12):c.859T>C (p.Cys287Arg)

Gene: CAPN12 (calpain 12; minus strand). Cytogenetic location: 19q13.2.
Variant type: single nucleotide variant.
Coding change: c.859T>C on transcript NM_144691.4 (MANE Select); coding-DNA position 859, T replaced by C.
Protein change: p.Cys287Arg; replaces cysteine 287 with arginine.
Molecular consequence: missense variant.
Genome position (GRCh38, 1-based): chr19:38,738,449, A>G on the plus strand (T>C on the coding strand, the complement: CAPN12 is on the minus strand). VCF-style: chr19-38738449-A-G. GRCh37 (hg19) VCF-style: chr19-39229089-A-G.
Other names: short protein forms C287R.
Identifiers: ClinVar variation 1242051 (VCV001242051.5), dbSNP rs12983010, ClinGen allele CA9419016.

ClinVar aggregate classification (germline): Benign. Review status: criteria provided, multiple submitters, no conflicts (2 of 4 stars). 3 submissions from 3 submitters: Benign (2). 1 of the submissions does not count toward it. Last evaluated 2018-07-09.

Conditions:
CAPN12-related disorder. Also called: CAPN12-related condition.

Allele frequency attached by ClinVar (database versions not stated): gnomAD exomes 0.07134 and 0.08102; ESP Exome Variant Server 0.07979; ExAC 0.08098; gnomAD 0.08152 and 0.08290; TOPMed 0.08943; 1000 Genomes Project 30x 0.11321; 1000 Genomes Project 0.11322.
gnomAD v4.1: 116,707 of 1,609,288 alleles (7.3%); highest among the groups gnomAD compares: Admixed American, 12%; 4,746 homozygotes.

Submissions (3):

GeneDx
Classification: Benign. Last evaluated: 2018-07-09. Review status: criteria provided, single submitter. Criteria: GeneDx Variant Classification Process June 2021. Collection method: clinical testing. Allele origin: germline. Affected: yes.

Breakthrough Genomics
Classification: Benign. Review status: criteria provided, single submitter. Criteria: ACMG Guidelines, 2015. Collection method: not provided. Allele origin: germline. Inheritance: Unknown mechanism. Affected: yes.

PreventionGenetics, part of Exact Sciences
Classification: Benign for CAPN12-related condition. Last evaluated: 2019-12-18. Review status: no assertion criteria provided. Collection method: clinical testing. Allele origin: germline. Not counted in ClinVar's aggregate classification.
Comment: This variant is classified as benign based on ACMG/AMP sequence variant interpretation guidelines (Richards et al. 2015 PMID: 25741868, with internal and published modifications).